The following is an entry in ClinVar:

NM_024577.4(SH3TC2):c.661T>C (p.Ser221Pro)

Gene: SH3TC2 (SH3 domain and tetratricopeptide repeats 2; minus strand). Cytogenetic location: 5q32.
Variant type: single nucleotide variant.
Coding change: c.661T>C on transcript NM_024577.4 (MANE Select); coding-DNA position 661, T replaced by C.
Protein change: p.Ser221Pro; replaces serine 221 with proline.
Molecular consequence: missense variant.
Genome position (GRCh38, 1-based): chr5:149,041,486, A>G on the plus strand (T>C on the coding strand, the complement: SH3TC2 is on the minus strand). VCF-style: chr5-149041486-A-G. GRCh37 (hg19) VCF-style: chr5-148421049-A-G.
Other names: short protein forms S221P.
Identifiers: ClinVar variation 579613 (VCV000579613.9), dbSNP rs747024391, ClinGen allele CA3499440.

ClinVar aggregate classification (germline): Uncertain significance. Review status: criteria provided, multiple submitters, no conflicts (2 of 4 stars). 2 submissions from 2 submitters: Uncertain significance (2). Last evaluated 2018-04-19.

Conditions:
Charcot-Marie-Tooth disease. Also called: Charcot-Marie-Tooth Neuropathy; Charcot-Marie-Tooth Hereditary Neuropathy. Identifiers: Orphanet 166, MedGen C0007959, MONDO:0015626.
Charcot-Marie-Tooth disease type 4. Also called: Charcot-Marie-Tooth disease, type IV; Charcot-Marie-Tooth, Type 4. Identifiers: Orphanet 64749, MedGen C4082197, MONDO:0018995.

Allele frequency attached by ClinVar (database versions not stated): gnomAD exomes below 0.00001; ExAC 0.00001.

Submissions (2):

Labcorp Genetics (formerly Invitae), Labcorp
Classification: Uncertain significance for Charcot-Marie-Tooth disease type 4. Last evaluated: 2018-04-19. Review status: criteria provided, single submitter. Criteria: Invitae Variant Classification Sherloc (09022015). Collection method: clinical testing. Allele origin: germline.
Comment: This variant has not been reported in the literature in individuals with SH3TC2-related disease. Algorithms developed to predict the effect of missense changes on protein structure and function do not agree on the potential impact of this missense change (SIFT: "Tolerated"; PolyPhen-2: "Probably Damaging"; Align-GVGD: "Class C0"). In summary, the available evidence is currently insufficient to determine the role of this variant in disease. Therefore, it has been classified as a Variant of Uncertain Significance. This variant is present in population databases (rs747024391, ExAC 0.01%). This sequence change replaces serine with proline at codon 221 of the SH3TC2 protein (p.Ser221Pro). The serine residue is highly conserved and there is a moderate physicochemical difference between serine and proline.

Molecular Genetics Laboratory, London Health Sciences Centre
Classification: Uncertain significance for Charcot-Marie-Tooth disease. Review status: criteria provided, single submitter. Criteria: ACMG Guidelines, 2015. Collection method: clinical testing. Allele origin: germline. Affected: yes.